The following is an entry in ClinVar:

ClinVar aggregate classification (germline): Uncertain significance (1 of 4 stars; one submission).

Submission:

Labcorp Genetics (formerly Invitae), Labcorp
Classification: Uncertain significance. Last evaluated: 2021-10-25. Review status: criteria provided, single submitter. Criteria: Invitae Variant Classification Sherloc (09022015). Collection method: clinical testing. Allele origin: germline.
Comment: In summary, the available evidence is currently insufficient to determine the role of this variant in disease. Therefore, it has been classified as a Variant of Uncertain Significance. Algorithms developed to predict the effect of sequence changes on RNA splicing suggest that this variant may create or strengthen a splice site. Algorithms developed to predict the effect of missense changes on protein structure and function (SIFT, PolyPhen-2, Align-GVGD) all suggest that this variant is likely to be disruptive. This variant has not been reported in the literature in individuals affected with PLK4-related conditions. This variant is not present in population databases (ExAC no frequency). This sequence change replaces isoleucine with valine at codon 43 of the PLK4 protein (p.Ile43Val). The isoleucine residue is highly conserved and there is a small physicochemical difference between isoleucine and valine.

NM_014264.5(PLK4):c.127A>G (p.Ile43Val)

Gene: PLK4 (polo like kinase 4; plus strand). Cytogenetic location: 4q28.1.
Variant type: single nucleotide variant.
Coding change: c.127A>G on transcript NM_014264.5 (MANE Select); coding-DNA position 127, A replaced by G.
Protein change: p.Ile43Val; replaces isoleucine 43 with valine.
Molecular consequence: missense variant. On other transcripts: intron variant (1).
Genome position (GRCh38, 1-based): chr4:127,883,262, A>G. VCF-style: chr4-127883262-A-G. GRCh37 (hg19) VCF-style: chr4-128804417-A-G.
Other names: c.4A>G, p.Ile2Val (NM_001190801.2); c.127-177A>G (NM_001190799.2); short protein forms I2V, I43V.
Identifiers: ClinVar variation 1494543 (VCV001494543.6), dbSNP rs1734995665, ClinGen allele CA358167249.
Genomic context (GRCh38, chr4:127,883,262, plus strand): 5'-GTTCACTTTTAAGCAGTTTATATTTGAAAGTCTGTCAACATTTAAACCTGTTATTTTTAG[A>G]TAGATAAGAAAGCCATGTACAAAGCAGGAATGGTACAGAGAGTCCAAAATGAGGTGAAAA-3'
Protein context (NP_055079.3, residues 33-53): HTGLEVAIKM[Ile43Val]DKKAMYKAGM